The following is an entry in ClinVar:

NM_000038.6(APC):c.3052G>C (p.Asp1018His)

Gene: APC (APC regulator of Wnt signaling pathway; plus strand). Cytogenetic location: 5q22.2.
Variant type: single nucleotide variant.
Coding change: c.3052G>C on transcript NM_000038.6 (MANE Select); coding-DNA position 3052, G replaced by C.
Protein change: p.Asp1018His; replaces aspartic acid 1018 with histidine.
Molecular consequence: missense variant.
Genome position (GRCh38, 1-based): chr5:112,838,646, G>C. VCF-style: chr5-112838646-G-C. GRCh37 (hg19) VCF-style: chr5-112174343-G-C.
Other names: c.3082G>C, p.Asp1028His (NM_001354897.2); c.2968G>C, p.Asp990His (NM_001354899.2); c.2929G>C, p.Asp977His (NM_001354900.2); c.3052G>C, p.Asp1018His (NM_001127510.3, NM_001354895.2); c.3106G>C, p.Asp1036His (NM_001354896.2); c.2977G>C, p.Asp993His (NM_001354898.2); c.2998G>C, p.Asp1000His (NM_001127511.3); c.2875G>C, p.Asp959His (NM_001354901.2); and 5 more; short protein forms D1000H, D1018H, D1028H, D858H, D917H, D977H, D735H, D959H.
Identifiers: ClinVar variation 489434 (VCV000489434.6), dbSNP rs587778038, ClinGen allele CA16028016.

ClinVar aggregate classification (germline): Uncertain significance (1 of 4 stars; one submission).

Conditions:
Hereditary cancer-predisposing syndrome. Also called: Hereditary Cancer Syndrome; Neoplastic Syndromes, Hereditary; Tumor predisposition; Hereditary neoplastic syndrome. Identifiers: Orphanet 140162, MedGen C0027672, MeSH D009386, MONDO:0015356.

Submission:

Color Diagnostics, LLC DBA Color Health
Classification: Uncertain significance for Hereditary cancer-predisposing syndrome. Last evaluated: 2023-12-05. Review status: criteria provided, single submitter. Criteria: ACMG Guidelines, 2015. Collection method: clinical testing. Allele origin: germline.
Comment: This missense variant replaces aspartic acid with histidine at codon 1018 of the APC protein. Computational prediction suggests that this variant may not impact protein structure and function (internally defined REVEL score threshold <= 0.5, PMID: 27666373). To our knowledge, functional studies have not been reported for this variant. This variant has not been reported in individuals affected with APC-related disorders in the literature. This variant has not been identified in the general population by the Genome Aggregation Database (gnomAD). The available evidence is insufficient to determine the role of this variant in disease conclusively. Therefore, this variant is classified as a Variant of Uncertain Significance.